The following is an entry in ClinVar:

ClinVar aggregate classification (germline): Uncertain significance (1 of 4 stars; one submission).

Conditions:
Nephronophthisis 15 (NPHP15). Identifiers: Orphanet 3156, MedGen C3541853, MONDO:0013917, OMIM 614845.

gnomAD v4.1: 2 of 1,613,372 alleles (0.00012%); highest among the groups gnomAD compares: Admixed American, 0.0017%; no homozygotes.

Submission:

Labcorp Genetics (formerly Invitae), Labcorp
Classification: Uncertain significance for Nephronophthisis 15. Last evaluated: 2023-03-23. Review status: criteria provided, single submitter. Criteria: Invitae Variant Classification Sherloc (09022015). Collection method: clinical testing. Allele origin: germline.
Comment: In summary, the available evidence is currently insufficient to determine the role of this variant in disease. Therefore, it has been classified as a Variant of Uncertain Significance. This sequence change replaces arginine, which is basic and polar, with serine, which is neutral and polar, at codon 840 of the CEP164 protein (p.Arg840Ser). This variant is present in population databases (no rsID available, gnomAD 0.003%). This variant has not been reported in the literature in individuals affected with CEP164-related conditions. ClinVar contains an entry for this variant (Variation ID: 2101175). Advanced modeling of protein sequence and biophysical properties (such as structural, functional, and spatial information, amino acid conservation, physicochemical variation, residue mobility, and thermodynamic stability) performed at Invitae indicates that this missense variant is expected to disrupt CEP164 protein function.

NM_014956.5(CEP164):c.2518C>A (p.Arg840Ser)

Gene: CEP164 (centrosomal protein 164; plus strand). Cytogenetic location: 11q23.3.
Variant type: single nucleotide variant.
Coding change: c.2518C>A on transcript NM_014956.5 (MANE Select); coding-DNA position 2518, C replaced by A.
Protein change: p.Arg840Ser; replaces arginine 840 with serine.
Molecular consequence: missense variant.
Genome position (GRCh38, 1-based): chr11:117,393,028, C>A. VCF-style: chr11-117393028-C-A. GRCh37 (hg19) VCF-style: chr11-117263744-C-A.
Other names: c.2527C>A, p.Arg843Ser (NM_001271933.2); short protein forms R843S, R840S.
Identifiers: ClinVar variation 2101175 (VCV002101175.4), dbSNP rs752891809, ClinGen allele CA382726317.
Genomic context (GRCh38, chr11:117,393,028, plus strand): 5'-GTTCTTCATGCCACATCCCTGCCATCTCCCCTGCAGCTCAGCAGTCTCCTGCGAGAGAAG[C>A]GCCAGGAAGTGGAAGGGGAGCATGAGAGGAGGTTGGACAAGATGAAGGAGGAGCACCAGC-3'
Protein context (NP_055771.4, residues 830-850): HELSSLLREK[Arg840Ser]QEVEGEHERR